The following is an entry in ClinVar:

NM_007194.4:c.320_*1del

Gene: CHEK2 (checkpoint kinase 2; minus strand).
Variant type: Deletion.
Other names: c.320_*1del (NM_007194.4).
Identifiers: ClinVar variation 3602781 (VCV003602781.2).

ClinVar aggregate classification (germline): Likely pathogenic (1 of 4 stars; one submission).

Conditions:
Hereditary cancer-predisposing syndrome. Also called: Tumor predisposition; Hereditary neoplastic syndrome; Neoplastic Syndromes, Hereditary; Hereditary Cancer Syndrome. Identifiers: Orphanet 140162, MedGen C0027672, MeSH D009386, MONDO:0015356.

Submission:

Department of Clinical Genetics, Copenhagen University Hospital, Rigshospitalet
Classification: Likely pathogenic for Hereditary cancer-predisposing syndrome. Last evaluated: 2025-02-04. Review status: criteria provided, single submitter. Criteria: ACMG Guidelines, 2015. Collection method: clinical testing. Allele origin: germline.
Comment: PVS1; PM2_SUP